The following is an entry in ClinVar:

NM_177986.5(DSG4):c.1766del (p.Cys589fs)

Genes: DSG1-AS1 (DSG1 antisense RNA 1; minus strand), DSG4 (desmoglein 4; plus strand). Cytogenetic location: 18q12.1.
Variant type: Deletion.
Coding change: c.1766del on transcript NM_177986.5 (MANE Select); coding-DNA position 1766, one base deleted (G; older notation c.1766delG).
Protein change: p.Cys589fs; shifts the reading frame from cysteine 589.
Molecular consequence: frameshift variant.
Genome position (GRCh38, 1-based): chr18:31,406,206, G deleted. VCF-style (leftmost placement, unchanged base first): chr18-31406205-TG-T. GRCh37 (hg19) VCF-style: chr18-28986168-TG-T.
Other names: c.1766del, p.Cys589fs (NM_001134453.3); c.1766delG (NM_177986.5); short protein forms C589fs.
Identifiers: ClinVar variation 4845816 (VCV004845816.1).

ClinVar aggregate classification (germline): Likely pathogenic (1 of 4 stars; one submission).

Conditions:
Hypotrichosis 6 (HYPT6). Also called: HYPOTRICHOSIS, LOCALIZED, AUTOSOMAL RECESSIVE 1; MONILETHRIX-LIKE HYPOTRICHOSIS. Identifiers: Orphanet 55654, MedGen C1842839, MONDO:0011932, OMIM 607903.

Submission:

First Genomix Gene Laboratory, Genetic Diagnostics Department
Classification: Likely pathogenic for Hypotrichosis 6. Last evaluated: 2025-03-26. Review status: criteria provided, single submitter. Criteria: ACMG Guidelines, 2015. Collection method: clinical testing. Allele origin: germline. Inheritance: Autosomal recessive inheritance. Affected: no. Observed: 1 variant allele.